The following is an entry in ClinVar:

NM_021620.4(PRDM13):c.1756T>C (p.Tyr586His)

Gene: PRDM13 (PR/SET domain 13; plus strand). Cytogenetic location: 6q16.2.
Variant type: single nucleotide variant.
Coding change: c.1756T>C on transcript NM_021620.4 (MANE Select); coding-DNA position 1756, T replaced by C.
Protein change: p.Tyr586His; replaces tyrosine 586 with histidine.
Molecular consequence: missense variant.
Genome position (GRCh38, 1-based): chr6:99,614,391, T>C. VCF-style: chr6-99614391-T-C. GRCh37 (hg19) VCF-style: chr6-100062267-T-C.
Other names: short protein forms Y586H.
Identifiers: ClinVar variation 2008682 (VCV002008682.4), dbSNP rs2538547727, ClinGen allele CA365121379.
Genomic context (GRCh38, chr6:99,614,391, plus strand): 5'-GCAGGTAAGCCCAAGACCGGCCACCTGTGCCTCTACTGTGGCAAGCTGTACTCGCGCAAG[T>C]ATGGGCTCAAGATCCACATGCGGACGCACACGGGCTACAAGCCACTCAAGTGCAAAGTCT-3'
Protein context (NP_067633.2, residues 576-596): LYCGKLYSRK[Tyr586His]GLKIHMRTHT

ClinVar aggregate classification (germline): Uncertain significance (1 of 4 stars; one submission).

Submission:

Labcorp Genetics (formerly Invitae), Labcorp
Classification: Uncertain significance. Last evaluated: 2022-06-20. Review status: criteria provided, single submitter. Criteria: Invitae Variant Classification Sherloc (09022015). Collection method: clinical testing. Allele origin: germline.
Comment: In summary, the available evidence is currently insufficient to determine the role of this variant in disease. Therefore, it has been classified as a Variant of Uncertain Significance. Algorithms developed to predict the effect of missense changes on protein structure and function (SIFT, PolyPhen-2, Align-GVGD) all suggest that this variant is likely to be disruptive. This variant has not been reported in the literature in individuals affected with PRDM13-related conditions. This variant is not present in population databases (gnomAD no frequency). This sequence change replaces tyrosine, which is neutral and polar, with histidine, which is basic and polar, at codon 586 of the PRDM13 protein (p.Tyr586His).